The following is an entry in ClinVar:

ClinVar aggregate classification (germline): Conflicting classifications of pathogenicity. Review status: criteria provided, conflicting classifications (1 of 4 stars). 5 submissions from 5 submitters: Uncertain significance (1); Likely benign (3). 1 of the submissions does not count toward it. Last evaluated 2026-06-10.

Conditions:
MPI-related disorder. Also called: MPI-related condition.
MPI-congenital disorder of glycosylation. Also called: MANNOSEPHOSPHATE ISOMERASE DEFICIENCY; PROTEIN-LOSING ENTEROPATHY-HEPATIC FIBROSIS SYNDROME; CONGENITAL DISORDER OF GLYCOSYLATION, TYPE Ib; CDG Ib; MPI-CDG; MPI DEFICIENCY. Identifiers: Orphanet 79319, MedGen C1865145, MONDO:0011257, OMIM 602579.

Allele frequency attached by ClinVar (database versions not stated): ExAC 0.00001; gnomAD exomes 0.00002; gnomAD 0.00009 and 0.00011; TOPMed 0.00012.
gnomAD v4.1: 39 of 1,614,104 alleles (0.0024%); highest among the groups gnomAD compares: African/African-American, 0.032%; no homozygotes.

Submissions (5):

PreventionGenetics, part of Exact Sciences
Classification: Likely benign for MPI-related condition. Last evaluated: 2026-06-10. Review status: criteria provided, single submitter. Criteria: ACMG Guidelines, 2015. Collection method: clinical testing. Allele origin: germline.
Comment: This variant is classified as likely benign based on ACMG/AMP sequence variant interpretation guidelines (Richards et al. 2015 PMID: 25741868, with internal and published modifications).

Labcorp Genetics (formerly Invitae), Labcorp
Classification: Likely benign for MPI-congenital disorder of glycosylation. Last evaluated: 2025-12-28. Review status: criteria provided, single submitter. Criteria: Invitae Variant Classification Sherloc (09022015). Collection method: clinical testing. Allele origin: germline.

CeGaT Center for Human Genetics Tuebingen
Classification: Likely benign. Last evaluated: 2023-06-01. Review status: criteria provided, single submitter. Criteria: CeGaT Center For Human Genetics Tuebingen Variant Classification Criteria Version 2. Collection method: clinical testing. Allele origin: germline. Affected: yes. Observed: 1 variant allele.
Comment: MPI: BP4, BP7

Illumina Laboratory Services, Illumina
Classification: Uncertain significance for MPI-congenital disorder of glycosylation. Last evaluated: 2018-01-13. Review status: criteria provided, single submitter. Criteria: ICSL Variant Classification Criteria 13 December 2019. Collection method: clinical testing. Allele origin: germline.

Natera, Inc.
Classification: Likely benign for Congenital disorder of glycosylation type 1b. Last evaluated: 2020-09-16. Review status: no assertion criteria provided. Collection method: clinical testing. Allele origin: germline. Not counted in ClinVar's aggregate classification.

NM_002435.3(MPI):c.378G>A (p.Pro126=)

Gene: MPI (mannose phosphate isomerase; plus strand). Cytogenetic location: 15q24.1.
Variant type: single nucleotide variant.
Coding change: c.378G>A on transcript NM_002435.3 (MANE Select); coding-DNA position 378, G replaced by A.
Protein change: p.Pro126=; no amino-acid change (proline 126 retained).
Molecular consequence: synonymous variant.
Genome position (GRCh38, 1-based): chr15:74,892,693, G>A. VCF-style: chr15-74892693-G-A. GRCh37 (hg19) VCF-style: chr15-75185034-G-A.
Other names: c.378G>A, p.Pro126= (NM_001289155.2, NM_001289157.2); c.228G>A, p.Pro76= (NM_001289156.2); c.318G>A, p.Pro106= (NM_001330372.2).
Identifiers: ClinVar variation 317138 (VCV000317138.40), dbSNP rs752948071, ClinGen allele CA7662426.